The following is an entry in ClinVar:

NM_000329.3(RPE65):c.515T>A (p.Val172Asp)

Gene: RPE65 (retinoid isomerohydrolase RPE65; minus strand). Cytogenetic location: 1p31.3.
Variant type: single nucleotide variant.
Coding change: c.515T>A on transcript NM_000329.3 (MANE Select); coding-DNA position 515, T replaced by A.
Protein change: p.Val172Asp; replaces valine 172 with aspartic acid.
Molecular consequence: missense variant.
Genome position (GRCh38, 1-based): chr1:68,440,981, A>T on the plus strand (T>A on the coding strand, the complement: RPE65 is on the minus strand). VCF-style: chr1-68440981-A-T. GRCh37 (hg19) VCF-style: chr1-68906664-A-T.
Other names: NM_000329.3(RPE65):c.515T>A; p.Val172Asp; short protein forms V172D.
Identifiers: ClinVar variation 978981 (VCV000978981.2), dbSNP rs1645898413, ClinGen allele CA340747191.

ClinVar aggregate classification (germline): Likely pathogenic. Review status: reviewed by expert panel (3 of 4 stars). 2 submissions from 2 submitters: Likely pathogenic (1). 1 of the submissions does not count toward it. Last evaluated 2025-03-31.

Conditions:
Autosomal recessive retinitis pigmentosa. Identifiers: MedGen C0339526.
RPE65-related recessive retinopathy. Also called: Recessive RPE65 retinopathy. Identifiers: MedGen CN305526, MONDO:0100368.

Submissions (2):

ClinGen Leber Congenital Amaurosis/early Onset Retinal Dystrophy Variant Curation Expert Panel, ClinGen
Classification: Likely pathogenic for RPE65-related recessive retinopathy. Last evaluated: 2025-03-31. Review status: reviewed by expert panel. Criteria: ClinGen LCAeoRD ACMG Specifications RPE65 V1.0.0. Collection method: curation. Allele origin: germline. Inheritance: Autosomal recessive inheritance.
Comment: The NM_000329.3(RPE65):c.515T>A (p.Val172Asp) variant is a missense variant in RPE65 causing a substitution of valine with aspartic acid at position 172. This variant is absent from gnomAD v4.1.0 (PM2_Supporting). The computational predictor REVEL gives a score of 0.811, which is above the ClinGen LCA / eoRD VCEP threshold of ≥0.773 and predicts a damaging effect on RPE65 function (PP3_Moderate). This variant has been reported in at least 1 proband with early-onset severe retinal dystrophy who was compound heterozygous with the Arg91Trp variant confirmed in trans (1 point, PMIDs: 27874104), which was previously classified pathogenic by the ClinGen LCA / eoRD VCEP (1 total point, PM3). At least one proband harboring this variant exhibits a phenotype including a clinical diagnosis of retinitis pigmentosa with detailed phenotype demonstrating early-onset severe retinal dystrophy including macular atrophy (0.5 pt), nystagmus (1 pt), symptomatic onset between birth and age five years (1 pt), pigmentary retinopathy with attenuated vessels (0.5 pt), optic atrophy (0.5 pt), decreased central visual acuity (1 pt), which together are specific for RPE65-related recessive retinopathy (4.5 points, PMID: 27874104, PP4). In summary, this variant meets the criteria to be classified as likely pathogenic for RPE65-related recessive retinopathy based on the ACMG/AMP criteria applied, as specified by the ClinGen LCA / eoRD VCEP: PM2_Supporting, PP3_Moderate, PM3, PP4 (VCEP specifications version 1.0.0; date of approval 09/21/2023).

Faculty of Health Sciences, Beirut Arab University
Classification: Pathogenic for Autosomal recessive Retinitis Pigmentosa. Last evaluated: 2016-11-22. Review status: no assertion criteria provided. Collection method: literature only. Allele origin: germline. Affected: yes. Observed: 2 variant alleles. Not counted in ClinVar's aggregate classification.

Literature cited by the submitters: PubMed 27874104 (cited by Faculty of Health Sciences, Beirut Arab University).